The following is an entry in ClinVar:

ClinVar aggregate classification (germline): Uncertain significance (1 of 4 stars; one submission).

gnomAD v4.1: 1 of 1,612,532 alleles (0.000062%); highest among the groups gnomAD compares: Non-Finnish European, 0.000085%; no homozygotes.

Submission:

Labcorp Genetics (formerly Invitae), Labcorp
Classification: Uncertain significance. Last evaluated: 2025-08-21. Review status: criteria provided, single submitter. Criteria: Invitae Variant Classification Sherloc (09022015). Collection method: clinical testing. Allele origin: germline.
Comment: This sequence change replaces phenylalanine, which is neutral and non-polar, with leucine, which is neutral and non-polar, at codon 451 of the FNIP1 protein (p.Phe451Leu). This variant is not present in population databases (gnomAD no frequency). This variant has not been reported in the literature in individuals affected with FNIP1-related conditions. ClinVar contains an entry for this variant (Variation ID: 2108533). An algorithm developed to predict the effect of missense changes on protein structure and function (PolyPhen-2) suggests that this variant is likely to be disruptive. In summary, the available evidence is currently insufficient to determine the role of this variant in disease. Therefore, it has been classified as a Variant of Uncertain Significance.

NM_133372.3(FNIP1):c.1353C>G (p.Phe451Leu)

Gene: FNIP1 (folliculin interacting protein 1; minus strand). Cytogenetic location: 5q31.1.
Variant type: single nucleotide variant.
Coding change: c.1353C>G on transcript NM_133372.3 (MANE Select); coding-DNA position 1353, C replaced by G.
Protein change: p.Phe451Leu; replaces phenylalanine 451 with leucine.
Molecular consequence: missense variant.
Genome position (GRCh38, 1-based): chr5:131,677,869, G>C on the plus strand (C>G on the coding strand, the complement: FNIP1 is on the minus strand). VCF-style: chr5-131677869-G-C. GRCh37 (hg19) VCF-style: chr5-131013562-G-C.
Other names: c.1269C>G, p.Phe423Leu (NM_001008738.3); c.1353C>G, p.Phe451Leu (NM_001346113.2); c.1218C>G, p.Phe406Leu (NM_001346114.2); short protein forms F406L, F423L, F451L.
Identifiers: ClinVar variation 2108533 (VCV002108533.4), dbSNP rs982635306, ClinGen allele CA360796645.